The following is an entry in ClinVar:

ClinVar aggregate classification (germline): Uncertain significance (1 of 4 stars; one submission).

Submission:

Labcorp Genetics (formerly Invitae), Labcorp
Classification: Uncertain significance. Last evaluated: 2022-06-14. Review status: criteria provided, single submitter. Criteria: Invitae Variant Classification Sherloc (09022015). Collection method: clinical testing. Allele origin: germline.
Comment: In summary, the available evidence is currently insufficient to determine the role of this variant in disease. Therefore, it has been classified as a Variant of Uncertain Significance. Algorithms developed to predict the effect of missense changes on protein structure and function are either unavailable or do not agree on the potential impact of this missense change (SIFT: "Deleterious"; PolyPhen-2: "Probably Damaging"; Align-GVGD: "Class C0"). This variant has not been reported in the literature in individuals affected with COL13A1-related conditions. This variant is not present in population databases (gnomAD no frequency). This sequence change replaces glycine, which is neutral and non-polar, with alanine, which is neutral and non-polar, at codon 368 of the COL13A1 protein (p.Gly368Ala).

NM_001368882.1(COL13A1):c.1136G>C (p.Gly379Ala)

Gene: COL13A1 (collagen type XIII alpha 1 chain; plus strand). Cytogenetic location: 10q22.1.
Variant type: single nucleotide variant.
Coding change: c.1136G>C on transcript NM_001368882.1 (MANE Select); coding-DNA position 1136, G replaced by C.
Protein change: p.Gly379Ala; replaces glycine 379 with alanine.
Molecular consequence: missense variant.
Genome position (GRCh38, 1-based): chr10:69,921,928, G>C. VCF-style: chr10-69921928-G-C. GRCh37 (hg19) VCF-style: chr10-71681684-G-C.
Other names: c.1103G>C, p.Gly368Ala (NM_001130103.2); c.1073G>C, p.Gly358Ala (NM_001320951.2, NM_001368884.1); c.1100G>C, p.Gly367Ala (NM_001368883.1); c.1037G>C, p.Gly346Ala (NM_001368885.1, NM_080801.4, NM_080802.4); c.473G>C, p.Gly158Ala (NM_001368886.1); c.1046G>C, p.Gly349Ala (NM_001368895.1, NM_080800.4); c.932G>C, p.Gly311Ala (NM_001368896.1, NM_001368898.1, NM_080798.4); c.959G>C, p.Gly320Ala (NM_001368897.1); and 1 more; short protein forms G317A, G346A, G367A, G158A, G320A, G349A, G358A, G368A.
Identifiers: ClinVar variation 2116165 (VCV002116165.4), dbSNP rs762568983, ClinGen allele CA376928601.
Genomic context (GRCh38, chr10:69,921,928, plus strand): 5'-GCATCTCCCTGCAGGGTGAGAAGGGGGCTGAAGGCTCCCCTGGGCTTCCTGGCCTCCTGG[G>C]GCAGAAGGTAGGTGTTGCTCTGAATGGAGGGTTCAAGTCCTTCGTCACCCACATCCCATA-3'
Protein context (NP_001355811.1, residues 369-389): EGSPGLPGLL[Gly379Ala]QKGEKGDAGN